The following is an entry in ClinVar:

NM_022041.4(GAN):c.168-2A>C

Gene: GAN (gigaxonin; plus strand). Cytogenetic location: 16q23.2.
Variant type: single nucleotide variant.
Coding change: c.168-2A>C on transcript NM_022041.4 (MANE Select); the canonical splice acceptor site of the intron before coding-DNA position 168, A replaced by C.
Molecular consequence: splice acceptor variant. On other transcripts: intron variant (1).
Genome position (GRCh38, 1-based): chr16:81,351,581, A>C. VCF-style: chr16-81351581-A-C. GRCh37 (hg19) VCF-style: chr16-81385186-A-C.
Other names: c.-357-2824A>C (NM_001377486.1).
Identifiers: ClinVar variation 4854279 (VCV004854279.1).

ClinVar aggregate classification (germline): Pathogenic (1 of 4 stars; one submission).

Conditions:
Giant axonal neuropathy 1 (GAN1). Also called: GIANT AXONAL NEUROPATHY 1, AUTOSOMAL RECESSIVE; GAN-Related Neurodegeneration. Identifiers: Orphanet 643, MedGen C1850386, MONDO:0009749, OMIM 256850.

Submission:

3billion
Classification: Pathogenic for Giant axonal neuropathy 1. Last evaluated: 2025-05-27. Review status: criteria provided, single submitter. Criteria: ACMG Guidelines, 2015. Collection method: clinical testing. Allele origin: germline. Affected: yes.
Comment: The variant is not observed in the gnomAD v4.1.0 dataset. Predicted Consequence/Location: Canonical splice site: predicted to alter splicing and result in a loss or disruption of normal protein function. Multiple pathogenic loss-of-function variants are reported downstream of the variant. In silico tools predict the variant to alter splicing and produce an abnormal transcript [SpliceAI: 0.99 (spliceogenicity >=0.2, non-spliceogenicity <0.1)]. Therefore, this variant is classified as Pathogenic according to the recommendation of ACMG/AMP guideline.